The following is an entry in ClinVar:

ClinVar aggregate classification (germline): Uncertain significance. Review status: criteria provided, multiple submitters, no conflicts (2 of 4 stars). 2 submissions from 2 submitters: Uncertain significance (2). Last evaluated 2025-12-13.

Conditions:
Early-infantile DEE. Also called: Early infantile epileptic encephalopathy with suppression bursts; Ohtahara syndrome; Early infantile epileptic encephalopathy. Identifiers: Orphanet 1934, MedGen C0393706, MONDO:0800491.

Submissions (2):

Labcorp Genetics (formerly Invitae), Labcorp
Classification: Uncertain significance for Early-infantile DEE. Last evaluated: 2025-12-13. Review status: criteria provided, single submitter. Criteria: Invitae Variant Classification Sherloc (09022015). Collection method: clinical testing. Allele origin: germline.
Comment: This sequence change falls in intron 15 of the SCN8A gene. It does not directly change the encoded amino acid sequence of the SCN8A protein. This variant is present in population databases (rs756887880, gnomAD 0.001%). This variant has not been reported in the literature in individuals affected with SCN8A-related conditions. ClinVar contains an entry for this variant (Variation ID: 1000683). In summary, the available evidence is currently insufficient to determine the role of this variant in disease. Therefore, it has been classified as a Variant of Uncertain Significance.

Blueprint Genetics
Classification: Uncertain significance. Last evaluated: 2024-05-09. Review status: criteria provided, single submitter. Criteria: ACMG Guidelines, 2015. Collection method: clinical testing. Allele origin: germline.

NM_001330260.2(SCN8A):c.2544+30_2544+31insTTTGGTATTCCATATTTCTCCAATTTCTTTTAAC

Gene: SCN8A (sodium voltage-gated channel alpha subunit 8; plus strand). Cytogenetic location: 12q13.13.
Variant type: Insertion.
Coding change: c.2544+30_2544+31insTTTGGTATTCCATATTTCTCCAATTTCTTTTAAC on transcript NM_001330260.2 (MANE Select); bases 30 to 31 of the intron after coding-DNA position 2544, TTTGGTATTCCATATTTCTCCAATTTCTTTTAAC inserted.
Molecular consequence: splice donor variant.
Genome position: GRCh38: chr12:51,762,706-51,762,707. GRCh37 (hg19): chr12:52,156,490-52,156,491.
Other names: c.2544+30_2544+31insTTTGGTATTCCATATTTCTCCAATTTCTTTTAAC (NM_014191.4, NM_001177984.3, NM_001369788.1).
Identifiers: ClinVar variation 1000683 (VCV001000683.10), dbSNP rs756887880, ClinGen allele CA6571480.